The following is an entry in ClinVar:

ClinVar aggregate classification (germline): Uncertain significance (1 of 4 stars; one submission).

Conditions:
Eichsfeld type congenital muscular dystrophy (CMYO3). Also called: Rigid spine muscular dystrophy 1; MYOPATHY, SEPN1-RELATED; SELENON-related myopathy; Congenital myopathy 3 with rigid spine. Identifiers: MedGen C0410180, MONDO:0100100, OMIM 602771.

Submission:

Labcorp Genetics (formerly Invitae), Labcorp
Classification: Uncertain significance for Eichsfeld type congenital muscular dystrophy. Last evaluated: 2021-12-24. Review status: criteria provided, single submitter. Criteria: Invitae Variant Classification Sherloc (09022015). Collection method: clinical testing. Allele origin: germline.
Comment: This variant has not been reported in the literature in individuals affected with SELENON-related conditions. This variant is not present in population databases (gnomAD no frequency). This sequence change replaces threonine, which is neutral and polar, with asparagine, which is neutral and polar, at codon 203 of the SELENON protein (p.Thr203Asn). In summary, the available evidence is currently insufficient to determine the role of this variant in disease. Therefore, it has been classified as a Variant of Uncertain Significance. Algorithms developed to predict the effect of missense changes on protein structure and function are either unavailable or do not agree on the potential impact of this missense change (SIFT: "Deleterious"; PolyPhen-2: "Benign"; Align-GVGD: "Class C15").

NM_206926.2(SELENON):c.506C>A (p.Thr169Asn)

Gene: SELENON (selenoprotein N; plus strand). Cytogenetic location: 1p36.11.
Variant type: single nucleotide variant.
Coding change: c.506C>A on transcript NM_206926.2 (MANE Select); coding-DNA position 506, C replaced by A.
Protein change: p.Thr169Asn; replaces threonine 169 with asparagine.
Molecular consequence: missense variant.
Genome position (GRCh38, 1-based): chr1:25,808,650, C>A. VCF-style: chr1-25808650-C-A. GRCh37 (hg19) VCF-style: chr1-26135141-C-A.
Other names: c.608C>A, p.Thr203Asn (NM_020451.3); short protein forms T169N, T203N.
Identifiers: ClinVar variation 2058425 (VCV002058425.4), dbSNP rs755740382, ClinGen allele CA339111744.
Genomic context (GRCh38, chr1:25,808,650, plus strand): 5'-TCGCCCTGTCCGGCCTCCGAAACTGGACAGCCGCCGCCTCACCAAGTGCAGTGTTTGCCA[C>A]CCGCCACTTCCAGCCCTTCCTTCCCCCGCCAGGCCAGGAGCTGGGTGAGCCCTGGTGGAT-3'
Protein context (NP_996809.1, residues 159-179): AAASPSAVFA[Thr169Asn]RHFQPFLPPP